The following is an entry in ClinVar:

ClinVar aggregate classification (germline): Uncertain significance (1 of 4 stars; one submission).

Submission:

Labcorp Genetics (formerly Invitae), Labcorp
Classification: Uncertain significance. Last evaluated: 2021-08-23. Review status: criteria provided, single submitter. Criteria: Invitae Variant Classification Sherloc (09022015). Collection method: clinical testing. Allele origin: germline.
Comment: In summary, the available evidence is currently insufficient to determine the role of this variant in disease. Therefore, it has been classified as a Variant of Uncertain Significance. This sequence change falls in intron 22 of the TONSL gene. It does not directly change the encoded amino acid sequence of the TONSL protein. This variant is not present in population databases (ExAC no frequency). This variant has not been reported in the literature in individuals with TONSL-related conditions. Algorithms developed to predict the effect of sequence changes on RNA splicing suggest that this variant may create or strengthen a splice site, but this prediction has not been confirmed by published transcriptional studies.

NM_013432.5(TONSL):c.3560-14T>A

Gene: TONSL (tonsoku like, DNA repair protein; minus strand). Cytogenetic location: 8q24.3.
Variant type: single nucleotide variant.
Coding change: c.3560-14T>A on transcript NM_013432.5 (MANE Select); 14 bases into the intron before coding-DNA position 3560, T replaced by A.
Molecular consequence: intron variant.
Genome position (GRCh38, 1-based): chr8:144,432,474, A>T on the plus strand (T>A on the coding strand, the complement: TONSL is on the minus strand). VCF-style: chr8-144432474-A-T. GRCh37 (hg19) VCF-style: chr8-145657857-A-T.
Identifiers: ClinVar variation 1476441 (VCV001476441.8), dbSNP rs2130840225, ClinGen allele CA2573143020.